The following is an entry in ClinVar:

ClinVar aggregate classification (germline): Pathogenic (1 of 4 stars; one submission).

Conditions:
Neurodegeneration with brain iron accumulation 5 (NBIA5). Also called: Beta-propeller protein-associated neurodegeneration; STATIC ENCEPHALOPATHY OF CHILDHOOD WITH NEURODEGENERATION IN ADULTHOOD. Identifiers: Orphanet 329284, MedGen C3550973, MONDO:0010476, OMIM 300894.

Submission:

Labcorp Genetics (formerly Invitae), Labcorp
Classification: Pathogenic for Neurodegeneration with brain iron accumulation 5. Last evaluated: 2020-02-23. Review status: criteria provided, single submitter. Criteria: Invitae Variant Classification Sherloc (09022015). Collection method: clinical testing. Allele origin: germline.
Comment: For these reasons, this variant has been classified as Pathogenic. Loss-of-function variants in WDR45 are known to be pathogenic (PMID: 23176820, 24368176, 24621584, 25744623, 26790960, 27030146, 27652284, 28554332). This variant has been observed in individual(s) with clinical features of neurodegeneration with brain iron accumulation (Invitae). This variant is not present in population databases (ExAC no frequency). This sequence change creates a premature translational stop signal (p.Arg112Profs*4) in the WDR45 gene. It is expected to result in an absent or disrupted protein product.

Literature cited by the submitters: PubMed 23176820; PubMed 24368176; PubMed 24621584; PubMed 25744623; PubMed 26790960; PubMed 27030146; PubMed 27652284; PubMed 28554332.

NM_001029896.2(WDR45):c.332_338del (p.Arg111fs)

Gene: WDR45 (WD repeat domain 45; minus strand). Cytogenetic location: Xp11.23.
Variant type: Deletion.
Coding change: c.332_338del on transcript NM_001029896.2 (MANE Select); coding-DNA positions 332 to 338, 7 bases deleted (GCCATGA; older notation c.332_338delGCCATGA).
Protein change: p.Arg111fs; shifts the reading frame from arginine 111.
Molecular consequence: frameshift variant.
Genome position (GRCh38, 1-based): chrX:49,076,648-49,076,654, TCATGGC deleted on the plus strand (GCCATGA on the coding strand, the reverse complement: WDR45 is on the minus strand). VCF-style (leftmost placement, unchanged base first): chrX-49076647-GTCATGGC-G. GRCh37 (hg19) VCF-style: chrX-48934306-GTCATGGC-G.
Other names: c.335_341del, p.Arg112fs (NM_007075.4); short protein forms R111fs, R112fs.
Identifiers: ClinVar variation 1070071 (VCV001070071.9), dbSNP rs2147816498, ClinGen allele CA2499226761.
Genomic context (GRCh38, chrX:49,076,647, plus strand): 5'-TCCCTCTCACTTACTGTGGGGACCTCCTACCTCCCACCCCGGTCCTCCTCAGGCTCACTT[GTCATGGC>G]GCATGCGCACAGAAAGCACTGGCTTGGTGAAGGTGAACTCCAGCACCAGCTTCTCCTTGG-3'